The following is an entry in ClinVar:

NM_015450.3(POT1):c.796_798del (p.His266del)

Gene: POT1 (protection of telomeres 1; minus strand). Cytogenetic location: 7q31.33.
Variant type: Deletion.
Coding change: c.796_798del on transcript NM_015450.3 (MANE Select); coding-DNA positions 796 to 798, 3 bases deleted (CAT; older notation c.796_798delCAT).
Protein change: p.His266del; deletes histidine 266.
Molecular consequence: inframe deletion. On other transcripts: non-coding transcript variant (3).
Genome position (GRCh38, 1-based): chr7:124,853,043-124,853,045, ATG deleted on the plus strand (CAT on the coding strand, the reverse complement: POT1 is on the minus strand); deleting any 3 consecutive bases within chr7:124,853,043-124,853,046 gives the same sequence; the c. name uses the placement nearest the transcript's 3' end. VCF-style (leftmost placement, unchanged base first): chr7-124853042-CATG-C. GRCh37 (hg19) VCF-style: chr7-124493096-CATG-C.
Other names: c.403_405del, p.His135del (NM_001042594.2); short protein forms H135del, H266del.
Identifiers: ClinVar variation 2754924 (VCV002754924.3), dbSNP rs2485441682, ClinGen allele CA2697557606.

ClinVar aggregate classification (germline): Uncertain significance (1 of 4 stars; one submission).

Conditions:
Tumor predisposition syndrome 3 (TPDS3). Also called: Glioma susceptibility 9; Melanoma, cutaneous malignant, susceptibility to, 10; LONG TELOMERE SYNDROME, POT1-RELATED; POT1 Tumor Predisposition. Identifiers: Orphanet 618, MedGen C4014476, MONDO:0014368, OMIM 615848.

Submission:

Labcorp Genetics (formerly Invitae), Labcorp
Classification: Uncertain significance for Tumor predisposition syndrome 3. Last evaluated: 2023-12-18. Review status: criteria provided, single submitter. Criteria: Invitae Variant Classification Sherloc (09022015). Collection method: clinical testing. Allele origin: germline.
Comment: This variant, c.796_798del, results in the deletion of 1 amino acid(s) of the POT1 protein (p.His266del), but otherwise preserves the integrity of the reading frame. This variant is not present in population databases (gnomAD no frequency). This variant has not been reported in the literature in individuals affected with POT1-related conditions. Experimental studies and prediction algorithms are not available or were not evaluated, and the functional significance of this variant is currently unknown. In summary, the available evidence is currently insufficient to determine the role of this variant in disease. Therefore, it has been classified as a Variant of Uncertain Significance.